The following is an entry in ClinVar:

ClinVar aggregate classification (germline): Uncertain significance (1 of 4 stars; one submission).

Conditions:
Hereditary cancer-predisposing syndrome. Also called: Neoplastic Syndromes, Hereditary; Tumor predisposition; Hereditary neoplastic syndrome; Hereditary Cancer Syndrome. Identifiers: Orphanet 140162, MedGen C0027672, MeSH D009386, MONDO:0015356.

Submission:

Ambry Genetics
Classification: Uncertain significance for Hereditary cancer-predisposing syndrome. Last evaluated: 2026-07-06. Review status: criteria provided, single submitter. Criteria: Ambry Variant Classification Scheme 2023. Collection method: clinical testing. Allele origin: germline.
Comment: The p.T106N variant (also known as c.317C>A), located in coding exon 2 of the PHOX2B gene, results from a C to A substitution at nucleotide position 317. The threonine at codon 106 is replaced by asparagine, an amino acid with similar properties. This amino acid position is conserved. In addition, this alteration is predicted to be deleterious by in silico analysis. Based on the available evidence, the clinical significance of this variant remains unclear.

NM_003924.4(PHOX2B):c.317C>A (p.Thr106Asn)

Gene: PHOX2B (paired like homeobox 2B; minus strand). Cytogenetic location: 4p13.
Variant type: single nucleotide variant.
Coding change: c.317C>A on transcript NM_003924.4 (MANE Select); coding-DNA position 317, C replaced by A.
Protein change: p.Thr106Asn; replaces threonine 106 with asparagine.
Molecular consequence: missense variant.
Genome position (GRCh38, 1-based): chr4:41,747,461, G>T on the plus strand (C>A on the coding strand, the complement: PHOX2B is on the minus strand). VCF-style: chr4-41747461-G-T. GRCh37 (hg19) VCF-style: chr4-41749478-G-T.
Other names: short protein forms T106N.
Identifiers: ClinVar variation 5026541 (VCV005026541.1).